The following is an entry in ClinVar:

ClinVar aggregate classification (germline): Likely benign (1 of 4 stars; one submission).

Conditions:
Meniere disease. Also called: Ménière's disease. Identifiers: MedGen C0025281, MONDO:0007972, OMIM 156000.

gnomAD v4.1: 1 of 1,614,214 alleles (0.000062%); highest among the groups gnomAD compares: Non-Finnish European, 0.000085%; no homozygotes.

Submission:

Meniere Disease Neuroscience Research Program, Faculty of Medicine and Health, Kolling Institute, The University of Sydney
Classification: Likely benign for Meniere disease. Last evaluated: 2025-05-25. Review status: criteria provided, single submitter. Criteria: ClinGen HL ACMG Specifications v1. Collection method: research. Allele origin: germline. Affected: yes.
Comment: This variant has an amino acid change at p.Thr272Ile. This indivial shares mutation chr11:77156886:G>A in the MYO7A gene.

NM_178160.3(OTOP2):c.815C>G (p.Thr272Ser)

Gene: OTOP2 (otopetrin 2; plus strand). Cytogenetic location: 17q25.1.
Variant type: single nucleotide variant.
Coding change: c.815C>G on transcript NM_178160.3 (MANE Select); coding-DNA position 815, C replaced by G.
Protein change: p.Thr272Ser; replaces threonine 272 with serine.
Molecular consequence: missense variant.
Genome position (GRCh38, 1-based): chr17:74,930,450, C>G. VCF-style: chr17-74930450-C-G. GRCh37 (hg19) VCF-style: chr17-72926545-C-G.
Other names: short protein forms T272S.
Identifiers: ClinVar variation 3901857 (VCV003901857.1).